The following is an entry in ClinVar:

NM_024854.5(PYROXD1):c.1189G>A (p.Asp397Asn)

Gene: PYROXD1 (pyridine nucleotide-disulphide oxidoreductase domain 1; plus strand). Cytogenetic location: 12p12.1.
Variant type: single nucleotide variant.
Coding change: c.1189G>A on transcript NM_024854.5 (MANE Select); coding-DNA position 1189, G replaced by A.
Protein change: p.Asp397Asn; replaces aspartic acid 397 with asparagine.
Molecular consequence: missense variant.
Genome position (GRCh38, 1-based): chr12:21,467,553, G>A. VCF-style: chr12-21467553-G-A. GRCh37 (hg19) VCF-style: chr12-21620487-G-A.
Other names: c.976G>A, p.Asp326Asn (NM_001350912.2); c.412G>A, p.Asp138Asn (NM_001350913.2); short protein forms D138N, D326N, D397N.
Identifiers: ClinVar variation 4777588 (VCV004777588.1).

ClinVar aggregate classification (germline): Uncertain significance (1 of 4 stars; one submission).

gnomAD v4.1: 1 of 1,612,180 alleles (0.000062%); highest among the groups gnomAD compares: Non-Finnish European, 0.000085%; no homozygotes.

Submission:

Labcorp Genetics (formerly Invitae), Labcorp
Classification: Uncertain significance. Last evaluated: 2026-01-24. Review status: criteria provided, single submitter. Criteria: Invitae Variant Classification Sherloc (09022015). Collection method: clinical testing. Allele origin: germline.
Comment: This sequence change replaces aspartic acid, which is acidic and polar, with asparagine, which is neutral and polar, at codon 397 of the PYROXD1 protein (p.Asp397Asn). This variant is present in population databases (no rsID available, gnomAD 0.0009%). This variant has not been reported in the literature in individuals affected with PYROXD1-related conditions. Invitae Evidence Modeling of protein sequence and biophysical properties (such as structural, functional, and spatial information, amino acid conservation, physicochemical variation, residue mobility, and thermodynamic stability) indicates that this missense variant is not expected to disrupt PYROXD1 protein function with a negative predictive value of 80%. In summary, the available evidence is currently insufficient to determine the role of this variant in disease. Therefore, it has been classified as a Variant of Uncertain Significance.